The following is an entry in ClinVar:

NM_000051.4(ATM):c.3579T>G (p.Val1193=)

Gene: ATM (ATM serine/threonine kinase; plus strand). Cytogenetic location: 11q22.3.
Variant type: single nucleotide variant.
Coding change: c.3579T>G on transcript NM_000051.4 (MANE Select); coding-DNA position 3579, T replaced by G.
Protein change: p.Val1193=; no amino-acid change (valine 1193 retained).
Molecular consequence: synonymous variant.
Genome position (GRCh38, 1-based): chr11:108,282,712, T>G. VCF-style: chr11-108282712-T-G. GRCh37 (hg19) VCF-style: chr11-108153439-T-G.
Other names: c.3579T>G, p.Val1193= (NM_001351834.2).
Identifiers: ClinVar variation 482627 (VCV000482627.15), dbSNP rs1555092241, ClinGen allele CA476673192.

ClinVar aggregate classification (germline): Benign/Likely benign. Review status: criteria provided, multiple submitters, no conflicts (2 of 4 stars). 3 submissions from 3 submitters: Benign (1); Likely benign (2). Last evaluated 2024-11-05.

Conditions:
Familial cancer of breast. Also called: BREAST CANCER, FAMILIAL; Hereditary breast cancer; hereditary breast carcinoma. Identifiers: Orphanet 227535, MedGen C0346153, MONDO:0016419, OMIM 114480. Disease mechanism: loss of function.
Hereditary cancer-predisposing syndrome. Also called: Hereditary neoplastic syndrome; Neoplastic Syndromes, Hereditary; Tumor predisposition; Hereditary Cancer Syndrome. Identifiers: Orphanet 140162, MedGen C0027672, MeSH D009386, MONDO:0015356.
Ataxia-telangiectasia syndrome (AT). Also called: LOUIS-BAR SYNDROME; Cerebello-oculocutaneous telangiectasia; Immunodeficiency with ataxia telangiectasia; AT, COMPLEMENTATION GROUP C; Ataxia-telangiectasia, complementation group D; ATAXIA-TELANGIECTASIA, COMPLEMENTATION GROUP A. Identifiers: Orphanet 100, MedGen C0004135, MONDO:0008840, OMIM 208900.

Submissions (3):

Labcorp Genetics (formerly Invitae), Labcorp
Classification: Likely benign for Ataxia-telangiectasia syndrome. Last evaluated: 2024-11-05. Review status: criteria provided, single submitter. Criteria: Invitae Variant Classification Sherloc (09022015). Collection method: clinical testing. Allele origin: germline.

Myriad Genetics, Inc.
Classification: Benign for Familial cancer of breast. Last evaluated: 2024-05-15. Review status: criteria provided, single submitter. Criteria: Myriad Autosomal Dominant, Autosomal Recessive and X-Linked Classification Criteria (2023). Collection method: clinical testing. Allele origin: unknown.
Comment: This variant is considered benign. This variant is a silent/synonymous amino acid change and it is not expected to impact splicing.

Ambry Genetics
Classification: Likely benign for Hereditary cancer-predisposing syndrome. Last evaluated: 2016-12-27. Review status: criteria provided, single submitter. Criteria: Ambry Variant Classification Scheme 2023. Collection method: clinical testing. Allele origin: germline.